The following is an entry in ClinVar:

NM_000257.4(MYH7):c.204A>C (p.Thr68=)

Gene: MYH7 (myosin heavy chain 7; minus strand). Cytogenetic location: 14q11.2.
Variant type: single nucleotide variant.
Coding change: c.204A>C on transcript NM_000257.4 (MANE Select); coding-DNA position 204, A replaced by C.
Protein change: p.Thr68=; no amino-acid change (threonine 68 retained).
Molecular consequence: synonymous variant.
Genome position (GRCh38, 1-based): chr14:23,433,225, T>G on the plus strand (A>C on the coding strand, the complement: MYH7 is on the minus strand). VCF-style: chr14-23433225-T-G. GRCh37 (hg19) VCF-style: chr14-23902434-T-G.
Identifiers: ClinVar variation 795255 (VCV000795255.13), dbSNP rs1428522940, ClinGen allele CA485627005.
Genomic context (GRCh38, chr14:23,433,225, plus strand): 5'-CTCGATTTTGTCGAACTTGGGTGGGTTCTGCTGCATCACCTGGTCCTCCTTCACGGTCAC[T>G]GTCTGCAAGAGCCCCCACCCAAGCCCTCCTGTCAGCCTGGGCTTTCCCTCCTTCCTCAAG-3'
Protein context (NP_000248.2, residues 58-78): KVTAETEYGK[Thr68=]VTVKEDQVMQ

ClinVar aggregate classification (germline): Conflicting classifications of pathogenicity. Review status: criteria provided, conflicting classifications (1 of 4 stars). 3 submissions from 3 submitters: Uncertain significance (1); Likely benign (2). Last evaluated 2025-06-27.

Conditions:
Hypertrophic cardiomyopathy. Also called: HYPERTROPHIC MYOCARDIOPATHY. Identifiers: Orphanet 217569, MedGen C0007194, MeSH D002312, MONDO:0005045, HP:0001639.
Cardiovascular phenotype. Identifiers: MedGen CN230736.
Cardiomyopathy (CMYO). Also called: Cardiomyopathies. Identifiers: Orphanet 167848, MedGen C0878544, MONDO:0004994, HP:0001638. Inheritance: Various modes of inheritance.

Allele frequency attached by ClinVar (database versions not stated): gnomAD 0.00001; TOPMed 0.00001.
gnomAD v4.1: 2 of 1,614,072 alleles (0.00012%); highest among the groups gnomAD compares: Non-Finnish European, 0.00017%; no homozygotes.

Submissions (3):

Labcorp Genetics (formerly Invitae), Labcorp
Classification: Likely benign for Hypertrophic cardiomyopathy. Last evaluated: 2025-06-27. Review status: criteria provided, single submitter. Criteria: Invitae Variant Classification Sherloc (09022015). Collection method: clinical testing. Allele origin: germline.

All of Us Research Program, National Institutes of Health
Classification: Uncertain significance for Cardiomyopathy. Last evaluated: 2023-05-16. Review status: criteria provided, single submitter. Criteria: ACMG Guidelines, 2015. Collection method: clinical testing. Allele origin: germline. Inheritance: Autosomal dominant inheritance. Observed: 1 variant allele, 1 heterozygote.
Comment: This variant is located in the MYH7 protein. To our knowledge, functional studies have not been reported for this variant. This variant has not been reported in individuals affected with MYH7-related disorders in the literature. This variant has been identified in 1/31378 chromosomes in the general population by the Genome Aggregation Database (gnomAD). The available evidence is insufficient to determine the role of this variant in disease conclusively. Therefore, this variant is classified as a Variant of Uncertain Significance.

This study involves interpretation of variants in research participants for the purpose of population health screening. Participant phenotype was not available at the time of variant classification. Additional details can be found in publication PMID: 35346344, PMCID: PMC8962531

Ambry Genetics
Classification: Likely benign for Cardiovascular phenotype. Last evaluated: 2022-02-18. Review status: criteria provided, single submitter. Criteria: Ambry Variant Classification Scheme 2023. Collection method: clinical testing. Allele origin: germline.